The following is an entry in ClinVar:

ClinVar aggregate classification (germline): Uncertain significance (1 of 4 stars; one submission).

gnomAD v4.1: 1 of 1,614,170 alleles (0.000062%); highest among the groups gnomAD compares: Non-Finnish European, 0.000085%; no homozygotes.

Submission:

Labcorp Genetics (formerly Invitae), Labcorp
Classification: Uncertain significance. Last evaluated: 2023-09-11. Review status: criteria provided, single submitter. Criteria: Invitae Variant Classification Sherloc (09022015). Collection method: clinical testing. Allele origin: germline.
Comment: In summary, the available evidence is currently insufficient to determine the role of this variant in disease. Therefore, it has been classified as a Variant of Uncertain Significance. Advanced modeling of protein sequence and biophysical properties (such as structural, functional, and spatial information, amino acid conservation, physicochemical variation, residue mobility, and thermodynamic stability) performed at Invitae indicates that this missense variant is not expected to disrupt TECTA protein function. This variant has not been reported in the literature in individuals affected with TECTA-related conditions. This variant is not present in population databases (gnomAD no frequency). This sequence change replaces alanine, which is neutral and non-polar, with threonine, which is neutral and polar, at codon 1410 of the TECTA protein (p.Ala1410Thr).

NM_005422.4(TECTA):c.4228G>A (p.Ala1410Thr)

Genes: TBCEL-TECTA (TBCEL-TECTA readthrough; plus strand), TECTA (tectorin alpha; plus strand). Cytogenetic location: 11q23.3.
Variant type: single nucleotide variant.
Coding change: c.4228G>A on transcript NM_005422.4 (MANE Select); coding-DNA position 4228, G replaced by A.
Protein change: p.Ala1410Thr; replaces alanine 1410 with threonine.
Molecular consequence: missense variant.
Genome position (GRCh38, 1-based): chr11:121,153,003, G>A. VCF-style: chr11-121153003-G-A. GRCh37 (hg19) VCF-style: chr11-121023712-G-A.
Other names: c.5185G>A, p.Ala1729Thr (NM_001378761.1); short protein forms A1410T, A1729T.
Identifiers: ClinVar variation 2996562 (VCV002996562.3), dbSNP rs756272161, ClinGen allele CA383025415.